The following is an entry in ClinVar:

ClinVar aggregate classification (germline): Likely benign (1 of 4 stars; one submission).

Allele frequency attached by ClinVar (database versions not stated): ExAC 0.00002; TOPMed 0.00002; gnomAD exomes 0.00003.
gnomAD v4.1: 46 of 1,612,640 alleles (0.0029%); highest among the groups gnomAD compares: East Asian, 0.0067%; no homozygotes.

Submission:

CeGaT Center for Human Genetics Tuebingen
Classification: Likely benign. Last evaluated: 2024-03-01. Review status: criteria provided, single submitter. Criteria: CeGaT Center For Human Genetics Tuebingen Variant Classification Criteria Version 2. Collection method: clinical testing. Allele origin: germline. Affected: yes. Observed: 1 variant allele.
Comment: MAPK8IP3: BP4, BP7

NM_001318852.2(MAPK8IP3):c.2577G>A (p.Pro859=)

Gene: MAPK8IP3 (mitogen-activated protein kinase 8 interacting protein 3; plus strand). Cytogenetic location: 16p13.3.
Variant type: single nucleotide variant.
Coding change: c.2577G>A on transcript NM_001318852.2 (MANE Select); coding-DNA position 2577, G replaced by A.
Protein change: p.Pro859=; no amino-acid change (proline 859 retained).
Molecular consequence: synonymous variant.
Genome position (GRCh38, 1-based): chr16:1,766,090, G>A. VCF-style: chr16-1766090-G-A. GRCh37 (hg19) VCF-style: chr16-1816091-G-A.
Other names: c.2556G>A, p.Pro852= (NM_001040439.2); c.2574G>A, p.Pro858= (NM_015133.5, NM_033392.3).
Identifiers: ClinVar variation 3067363 (VCV003067363.21), dbSNP rs777435050, ClinGen allele CA7817333.